The following is an entry in ClinVar:

ClinVar aggregate classification (germline): Uncertain significance (1 of 4 stars; one submission).

Conditions:
Autosomal dominant striatal neurodegeneration type 1. Identifiers: Orphanet 228169, MedGen C4310808, MONDO:0012205, OMIM 609161.

Submission:

Centre for Mendelian Genomics, University Medical Centre Ljubljana
Classification: Uncertain significance for Autosomal dominant striatal neurodegeneration type 1. Last evaluated: 2019-05-13. Review status: criteria provided, single submitter. Criteria: ACMG Guidelines, 2015. Collection method: clinical testing. Allele origin: unknown. Affected: yes.
Comment: This variant was classified as: Uncertain significance. The available evidence favors the pathogenic nature of this variant, however the currently available data is insufficient to conclusively support its pathogenic nature. Thus this variant is classified as Uncertain significance - favor pathogenic. The following ACMG criteria were applied in classifying this variant: PM2,PP3.

NM_003719.5(PDE8B):c.878A>G (p.Tyr293Cys)

Gene: PDE8B (phosphodiesterase 8B; plus strand). Cytogenetic location: 5q13.3.
Variant type: single nucleotide variant.
Coding change: c.878A>G on transcript NM_003719.5 (MANE Select); coding-DNA position 878, A replaced by G.
Protein change: p.Tyr293Cys; replaces tyrosine 293 with cysteine.
Molecular consequence: missense variant. On other transcripts: intron variant (9).
Genome position (GRCh38, 1-based): chr5:77,349,420, A>G. VCF-style: chr5-77349420-A-G. GRCh37 (hg19) VCF-style: chr5-76645245-A-G.
Other names: c.878A>G, p.Tyr293Cys (NM_001029852.4, NM_001376063.1, NM_001376064.1); c.818A>G, p.Tyr273Cys (NM_001029853.4); c.875A>G, p.Tyr292Cys (NM_001349748.3, NM_001349751.3); c.941A>G, p.Tyr314Cys (NM_001349749.3); c.638A>G, p.Tyr213Cys (NM_001349750.3); c.572A>G, p.Tyr191Cys (NM_001349752.3); c.506A>G, p.Tyr169Cys (NM_001349753.2, NM_001376067.1, NM_001376068.1); c.575A>G, p.Tyr192Cys (NM_001376062.1, NM_001376072.1); and 10 more; short protein forms Y273C, Y169C, Y172C, Y213C, Y292C, Y293C, Y191C, Y192C.
Identifiers: ClinVar variation 931113 (VCV000931113.3), dbSNP rs1780697407, ClinGen allele CA360179236.